The following is an entry in ClinVar:

NM_000069.3(CACNA1S):c.206C>A (p.Ala69Asp)

Gene: CACNA1S (calcium voltage-gated channel subunit alpha1 S; minus strand). Cytogenetic location: 1q32.1.
Variant type: single nucleotide variant.
Coding change: c.206C>A on transcript NM_000069.3 (MANE Select); coding-DNA position 206, C replaced by A.
Protein change: p.Ala69Asp; replaces alanine 69 with aspartic acid.
Molecular consequence: missense variant.
Genome position (GRCh38, 1-based): chr1:201,110,216, G>T on the plus strand (C>A on the coding strand, the complement: CACNA1S is on the minus strand). VCF-style: chr1-201110216-G-T. GRCh37 (hg19) VCF-style: chr1-201079344-G-T.
Other names: p.Ala69Asp; short protein forms A69D.
Identifiers: ClinVar variation 1434029 (VCV001434029.9), dbSNP rs12406479, ClinGen allele CA36016792.

ClinVar aggregate classification (germline): Uncertain significance. Review status: criteria provided, multiple submitters, no conflicts (2 of 4 stars). 2 submissions from 2 submitters: Uncertain significance (2). Last evaluated 2023-08-04.

Conditions:
Hypokalemic periodic paralysis, type 1. Also called: Hypokalemic Periodic Paralysis Type 1 (AD); HypoPP. Identifiers: Orphanet 681, MedGen C3714580, MONDO:0042979, OMIM 170400.
Malignant hyperthermia, susceptibility to, 5 (MHS5). Also called: CACNA1S-Related Malignant Hyperthermia Susceptibility. Identifiers: Orphanet 423, MedGen C1866077, MONDO:0011163, OMIM 601887.

gnomAD v4.1: 4 of 1,614,174 alleles (0.00025%); highest among the groups gnomAD compares: Non-Finnish European, 0.00034%; no homozygotes.

Submissions (2):

Labcorp Genetics (formerly Invitae), Labcorp
Classification: Uncertain significance for Hypokalemic periodic paralysis, type 1; Malignant hyperthermia, susceptibility to, 5. Last evaluated: 2023-08-04. Review status: criteria provided, single submitter. Criteria: Invitae Variant Classification Sherloc (09022015). Collection method: clinical testing. Allele origin: germline.
Comment: In summary, the available evidence is currently insufficient to determine the role of this variant in disease. Therefore, it has been classified as a Variant of Uncertain Significance. Advanced modeling of protein sequence and biophysical properties (such as structural, functional, and spatial information, amino acid conservation, physicochemical variation, residue mobility, and thermodynamic stability) performed at Invitae indicates that this missense variant is not expected to disrupt CACNA1S protein function. ClinVar contains an entry for this variant (Variation ID: 1434029). This variant has not been reported in the literature in individuals affected with CACNA1S-related conditions. This variant is not present in population databases (gnomAD no frequency). This sequence change replaces alanine, which is neutral and non-polar, with aspartic acid, which is acidic and polar, at codon 69 of the CACNA1S protein (p.Ala69Asp).

Mayo Clinic Laboratories, Mayo Clinic
Classification: Uncertain significance. Last evaluated: 2023-05-22. Review status: criteria provided, single submitter. Criteria: ACMG Guidelines, 2015. Collection method: clinical testing. Allele origin: germline. Observed: 1 variant allele.
Comment: PP3, PM2